The following is an entry in ClinVar:

NM_032977.4(CASP10):c.710C>A (p.Ala237Glu)

Gene: CASP10 (caspase 10; plus strand). Cytogenetic location: 2q33.1.
Variant type: single nucleotide variant.
Coding change: c.710C>A on transcript NM_032977.4 (MANE Select); coding-DNA position 710, C replaced by A.
Protein change: p.Ala237Glu; replaces alanine 237 with glutamic acid.
Molecular consequence: missense variant. On other transcripts: intron variant (2).
Genome position (GRCh38, 1-based): chr2:201,203,755, C>A. VCF-style: chr2-201203755-C-A. GRCh37 (hg19) VCF-style: chr2-202068478-C-A.
Other names: c.710C>A, p.Ala237Glu (NM_001206524.2, NM_032974.5, NM_032976.4); c.685-4320C>A (NM_001206542.2, NM_001230.5); short protein forms A237E.
Identifiers: ClinVar variation 3137569 (VCV003137569.2), dbSNP rs750409587, ClinGen allele CA2053011.

ClinVar aggregate classification (germline): Uncertain significance. Review status: criteria provided, multiple submitters, no conflicts (2 of 4 stars). 2 submissions from 2 submitters: Uncertain significance (2). Last evaluated 2025-11-27.

Conditions:
Autoimmune lymphoproliferative syndrome type 2A (ALPS2A). Also called: CASP10-Related Autoimmune Lymphoproliferative Syndrome; AUTOIMMUNE LYMPHOPROLIFERATIVE SYNDROME, TYPE IIA; Autoimmune lymphoproliferative syndrome type 2. Identifiers: Orphanet 3261, MedGen C1858968, MONDO:0011383, OMIM 603909.

Allele frequency attached by ClinVar (database versions not stated): ExAC 0.00002.
gnomAD v4.1: 11 of 1,613,026 alleles (0.00068%); highest among the groups gnomAD compares: Non-Finnish European, 0.00093%; no homozygotes.

Submissions (2):

Labcorp Genetics (formerly Invitae), Labcorp
Classification: Uncertain significance for Autoimmune lymphoproliferative syndrome type 2A. Last evaluated: 2025-11-27. Review status: criteria provided, single submitter. Criteria: Invitae Variant Classification Sherloc (09022015). Collection method: clinical testing. Allele origin: germline.
Comment: This sequence change replaces alanine, which is neutral and non-polar, with glutamic acid, which is acidic and polar, at codon 237 of the CASP10 protein (p.Ala237Glu). This variant is present in population databases (rs750409587, gnomAD 0.004%). This variant has not been reported in the literature in individuals affected with CASP10-related conditions. ClinVar contains an entry for this variant (Variation ID: 3137569). An algorithm developed to predict the effect of missense changes on protein structure and function outputs the following: PolyPhen-2: "Benign". The glutamic acid amino acid residue is found in multiple mammalian species, which suggests that this missense change does not adversely affect protein function. In summary, the available evidence is currently insufficient to determine the role of this variant in disease. Therefore, it has been classified as a Variant of Uncertain Significance.

Ambry Genetics
Classification: Uncertain significance. Last evaluated: 2023-10-13. Review status: criteria provided, single submitter. Criteria: Ambry Variant Classification Scheme 2023. Collection method: clinical testing. Allele origin: germline.